The following is an entry in ClinVar:

NM_004260.4(RECQL4):c.877G>T (p.Ala293Ser)

Gene: RECQL4 (RecQ like helicase 4; minus strand). Cytogenetic location: 8q24.3.
Variant type: single nucleotide variant.
Coding change: c.877G>T on transcript NM_004260.4 (MANE Select); coding-DNA position 877, G replaced by T.
Protein change: p.Ala293Ser; replaces alanine 293 with serine.
Molecular consequence: missense variant.
Genome position (GRCh38, 1-based): chr8:144,516,242, C>A on the plus strand (G>T on the coding strand, the complement: RECQL4 is on the minus strand). VCF-style: chr8-144516242-C-A. GRCh37 (hg19) VCF-style: chr8-145741626-C-A.
Other names: short protein forms A293S.
Identifiers: ClinVar variation 1372704 (VCV001372704.6), dbSNP rs1814951208, ClinGen allele CA372688839.

ClinVar aggregate classification (germline): Uncertain significance (1 of 4 stars; one submission).

Conditions:
Baller-Gerold syndrome (BGS). Also called: CRANIOSYNOSTOSIS WITH RADIAL DEFECTS. Identifiers: Orphanet 1225, MedGen C0265308, MONDO:0009039, OMIM 218600.

Allele frequency attached by ClinVar (database versions not stated): TOPMed below 0.00001; gnomAD 0.00001.
gnomAD v4.1: 1 of 1,612,808 alleles (0.000062%); no homozygotes.

Submission:

Labcorp Genetics (formerly Invitae), Labcorp
Classification: Uncertain significance for Baller-Gerold syndrome. Last evaluated: 2021-09-15. Review status: criteria provided, single submitter. Criteria: Invitae Variant Classification Sherloc (09022015). Collection method: clinical testing. Allele origin: germline.
Comment: This sequence change replaces alanine with serine at codon 293 of the RECQL4 protein (p.Ala293Ser). The alanine residue is weakly conserved and there is a moderate physicochemical difference between alanine and serine. In summary, the available evidence is currently insufficient to determine the role of this variant in disease. Therefore, it has been classified as a Variant of Uncertain Significance. Experimental studies and prediction algorithms are not available or were not evaluated, and the functional significance of this variant is currently unknown. This variant has not been reported in the literature in individuals affected with RECQL4-related conditions. This variant is not present in population databases (ExAC no frequency).